The following is an entry in ClinVar:

ClinVar aggregate classification (germline): Uncertain significance (1 of 4 stars; one submission).

Conditions:
SOX5-related disorder. Also called: SOX5-related condition.

gnomAD v4.1: 1 of 1,611,398 alleles (0.000062%); no homozygotes.

Submission:

PreventionGenetics, part of Exact Sciences
Classification: Uncertain significance for SOX5-related condition. Last evaluated: 2025-12-27. Review status: criteria provided, single submitter. Criteria: ACMG Guidelines, 2015. Collection method: clinical testing. Allele origin: germline.
Comment: The SOX5 c.724A>C variant is predicted to result in the amino acid substitution p.Lys242Gln. To our knowledge, this variant has not been reported in the literature or in a large population database (gnomAD), indicating this variant is rare. At this time, the clinical significance of this variant is uncertain due to the absence of conclusive functional and genetic evidence.

NM_006940.6(SOX5):c.724A>C (p.Lys242Gln)

Gene: SOX5 (SRY-box transcription factor 5; minus strand). Cytogenetic location: 12p12.1.
Variant type: single nucleotide variant.
Coding change: c.724A>C on transcript NM_006940.6 (MANE Select); coding-DNA position 724, A replaced by C.
Protein change: p.Lys242Gln; replaces lysine 242 with glutamine.
Molecular consequence: missense variant.
Genome position (GRCh38, 1-based): chr12:23,740,884, T>G on the plus strand (A>C on the coding strand, the complement: SOX5 is on the minus strand). VCF-style: chr12-23740884-T-G. GRCh37 (hg19) VCF-style: chr12-23893818-T-G.
Other names: c.685A>C, p.Lys229Gln (NM_001261414.3, NM_152989.5); c.694A>C, p.Lys232Gln (NM_001261415.3); c.619A>C, p.Lys207Gln (NM_001330785.2); short protein forms K229Q, K232Q, K242Q, K207Q.
Identifiers: ClinVar variation 4995445 (VCV004995445.1).